The following is an entry in ClinVar:

NM_000143.4(FH):c.1528A>G (p.Lys510Glu)

Gene: FH (fumarate hydratase; minus strand). Cytogenetic location: 1q43.
Variant type: single nucleotide variant.
Coding change: c.1528A>G on transcript NM_000143.4 (MANE Select); coding-DNA position 1528, A replaced by G.
Protein change: p.Lys510Glu; replaces lysine 510 with glutamic acid.
Molecular consequence: missense variant.
Genome position (GRCh38, 1-based): chr1:241,497,833, T>C on the plus strand (A>G on the coding strand, the complement: FH is on the minus strand). VCF-style: chr1-241497833-T-C. GRCh37 (hg19) VCF-style: chr1-241661133-T-C.
Other names: short protein forms K510E.
Identifiers: ClinVar variation 2141444 (VCV002141444.4), dbSNP rs2147911176, ClinGen allele CA345449925.
Genomic context (GRCh38, chr1:241,497,833, plus strand): 5'-GAGTCTGTTTTTTTAAATTTTATACATGTTTATTTTCATTATAAATTTATGTAAATCACT[T>C]TGGACCCAGCATGTCCTTAGGTTTTACCCATTCGTCAAACTGCTCTGCTGTGAGATAGCC-3'
Protein context (NP_000134.2, residues 500-510): WVKPKDMLGP[Lys510Glu]

ClinVar aggregate classification (germline): Uncertain significance (1 of 4 stars; one submission).

Submission:

Labcorp Genetics (formerly Invitae), Labcorp
Classification: Uncertain significance. Last evaluated: 2023-02-03. Review status: criteria provided, single submitter. Criteria: Invitae Variant Classification Sherloc (09022015). Collection method: clinical testing. Allele origin: germline.
Comment: In summary, the available evidence is currently insufficient to determine the role of this variant in disease. Therefore, it has been classified as a Variant of Uncertain Significance. Algorithms developed to predict the effect of missense changes on protein structure and function (SIFT, PolyPhen-2, Align-GVGD) all suggest that this variant is likely to be tolerated. This variant has not been reported in the literature in individuals affected with FH-related conditions. This variant is not present in population databases (gnomAD no frequency). This sequence change replaces lysine, which is basic and polar, with glutamic acid, which is acidic and polar, at codon 510 of the FH protein (p.Lys510Glu).